The following is an entry in ClinVar:

NM_006282.5(STK4):c.1223T>C (p.Ile408Thr)

Gene: STK4 (serine/threonine kinase 4; plus strand). Cytogenetic location: 20q13.12.
Variant type: single nucleotide variant.
Coding change: c.1223T>C on transcript NM_006282.5 (MANE Select); coding-DNA position 1223, T replaced by C.
Protein change: p.Ile408Thr; replaces isoleucine 408 with threonine.
Molecular consequence: missense variant.
Genome position (GRCh38, 1-based): chr20:45,025,048, T>C. VCF-style: chr20-45025048-T-C. GRCh37 (hg19) VCF-style: chr20-43653689-T-C.
Other names: c.1223T>C, p.Ile408Thr (NM_001352385.2); short protein forms I408T.
Identifiers: ClinVar variation 645801 (VCV000645801.7), dbSNP rs980823829, ClinGen allele CA315499434.
Genomic context (GRCh38, chr20:45,025,048, plus strand): 5'-TGCAGCCTGCGAAACCATCCTTTCTTGAATATTTTGAACAAAAAGAAAAGGAAAACCAGA[T>C]CAACAGCTTTGGCAAGAGTGTACCTGGTCCACTGAAAAATTCTTCAGATTGGAAAATACC-3'
Protein context (NP_006273.1, residues 398-418): YFEQKEKENQ[Ile408Thr]NSFGKSVPGP

ClinVar aggregate classification (germline): Uncertain significance (1 of 4 stars; one submission).

Conditions:
Combined immunodeficiency due to STK4 deficiency (IMD110). Also called: STK4 DEFICIENCY; MST1 DEFICIENCY; T-cell immunodeficiency, recurrent infections, and autoimmunity with or without cardiac malformations. Identifiers: Orphanet 314689, MedGen C3553943, MONDO:0013934, OMIM 614868.

Allele frequency attached by ClinVar (database versions not stated): gnomAD exomes below 0.00001; TOPMed 0.00001.
gnomAD v4.1: 2 of 1,613,514 alleles (0.00012%); highest among the groups gnomAD compares: Non-Finnish European, 0.00017%; no homozygotes.

Submission:

Labcorp Genetics (formerly Invitae), Labcorp
Classification: Uncertain significance for Combined immunodeficiency due to STK4 deficiency. Last evaluated: 2018-10-11. Review status: criteria provided, single submitter. Criteria: Invitae Variant Classification Sherloc (09022015). Collection method: clinical testing. Allele origin: germline.
Comment: This sequence change replaces isoleucine with threonine at codon 408 of the STK4 protein (p.Ile408Thr). The isoleucine residue is weakly conserved and there is a moderate physicochemical difference between isoleucine and threonine. This variant is not present in population databases (ExAC no frequency). This variant has not been reported in the literature in individuals with STK4-related disease. Algorithms developed to predict the effect of missense changes on protein structure and function (SIFT, PolyPhen-2, Align-GVGD) all suggest that this variant is likely to be tolerated, but these predictions have not been confirmed by published functional studies and their clinical significance is uncertain. In summary, the available evidence is currently insufficient to determine the role of this variant in disease. Therefore, it has been classified as a Variant of Uncertain Significance.